The following is an entry in ClinVar:

ClinVar aggregate classification (germline): Uncertain significance (1 of 4 stars; one submission).

Conditions:
Long QT syndrome (LQTS). Identifiers: MedGen C0023976, MeSH D008133, MONDO:0002442. Disease mechanism: loss of function. Inheritance: Various modes of inheritance.

Submission:

Labcorp Genetics (formerly Invitae), Labcorp
Classification: Uncertain significance for Long QT syndrome. Last evaluated: 2025-02-05. Review status: criteria provided, single submitter. Criteria: Invitae Variant Classification Sherloc (09022015). Collection method: clinical testing. Allele origin: germline.
Comment: This sequence change falls in intron 19 of the CACNA1C gene. It does not directly change the encoded amino acid sequence of the CACNA1C protein. It affects a nucleotide within the consensus splice site. This variant is not present in population databases (gnomAD no frequency). This variant has not been reported in the literature in individuals affected with CACNA1C-related conditions. ClinVar contains an entry for this variant (Variation ID: 1381432). Variants that disrupt the consensus splice site are a relatively common cause of aberrant splicing (PMID: 17576681, 9536098). Algorithms developed to predict the effect of sequence changes on RNA splicing suggest that this variant is not likely to affect RNA splicing. In summary, the available evidence is currently insufficient to determine the role of this variant in disease. Therefore, it has been classified as a Variant of Uncertain Significance.

Literature cited by the submitters: PubMed 17576681; PubMed 9536098.

NM_000719.7(CACNA1C):c.2663+4T>G

Gene: CACNA1C (calcium voltage-gated channel subunit alpha1 C; plus strand). Cytogenetic location: 12p13.33.
Variant type: single nucleotide variant.
Coding change: c.2663+4T>G on transcript NM_000719.7 (MANE Select); 4 bases into the intron after coding-DNA position 2663, T replaced by G.
Molecular consequence: intron variant.
Genome position (GRCh38, 1-based): chr12:2,593,349, T>G. VCF-style: chr12-2593349-T-G. GRCh37 (hg19) VCF-style: chr12-2702515-T-G.
Other names: c.2663+4T>G (NM_001167624.3, NM_001167623.2, NM_001167625.2 and 18 more transcripts); c.2654+4T>G (NM_001129844.2).
Identifiers: ClinVar variation 1381432 (VCV001381432.6), dbSNP rs190437147, ClinGen allele CA2573148391.